The following is an entry in ClinVar:

ClinVar aggregate classification (germline): Uncertain significance (1 of 4 stars; one submission).

Submission:

Ambry Genetics
Classification: Uncertain significance. Last evaluated: 2026-06-28. Review status: criteria provided, single submitter. Criteria: Ambry Variant Classification Scheme 2023. Collection method: clinical testing. Allele origin: germline.
Comment: The p.R221S variant (also known as c.663G>C), located in coding exon 1 of the CDK12 gene, results from a G to C substitution at nucleotide position 663. The arginine at codon 221 is replaced by serine, an amino acid with dissimilar properties. This amino acid position is conserved. In addition, this alteration is predicted to be tolerated by in silico analysis. Based on the available evidence, the clinical significance of this variant remains unclear.

NM_016507.4(CDK12):c.663G>C (p.Arg221Ser)

Genes: CDK12 (cyclin dependent kinase 12; plus strand), LOC126862553 (CDK7 strongly-dependent group 2 enhancer GRCh37_chr17:37618166-37619365; plus strand). Cytogenetic location: 17q12.
Variant type: single nucleotide variant.
Coding change: c.663G>C on transcript NM_016507.4 (MANE Select); coding-DNA position 663, G replaced by C.
Protein change: p.Arg221Ser; replaces arginine 221 with serine.
Molecular consequence: missense variant.
Genome position (GRCh38, 1-based): chr17:39,462,734, G>C. VCF-style: chr17-39462734-G-C. GRCh37 (hg19) VCF-style: chr17-37618987-G-C.
Other names: c.663G>C, p.Arg221Ser (NM_015083.4); short protein forms R221S.
Identifiers: ClinVar variation 5034071 (VCV005034071.1).